The following is an entry in ClinVar:

ClinVar aggregate classification (germline): Uncertain significance (1 of 4 stars; one submission).

Allele frequency attached by ClinVar (database versions not stated): gnomAD exomes below 0.00001; gnomAD 0.00001; TOPMed 0.00002.
gnomAD v4.1: 4 of 1,612,224 alleles (0.00025%); highest among the groups gnomAD compares: African/African-American, 0.0027%; no homozygotes.

Submission:

Labcorp Genetics (formerly Invitae), Labcorp
Classification: Uncertain significance. Last evaluated: 2023-08-10. Review status: criteria provided, single submitter. Criteria: Invitae Variant Classification Sherloc (09022015). Collection method: clinical testing. Allele origin: germline.
Comment: This variant is not present in population databases (gnomAD no frequency). This sequence change replaces cysteine, which is neutral and slightly polar, with tyrosine, which is neutral and polar, at codon 297 of the MPDZ protein (p.Cys297Tyr). This variant has not been reported in the literature in individuals affected with MPDZ-related conditions. ClinVar contains an entry for this variant (Variation ID: 2000214). An algorithm developed to predict the effect of missense changes on protein structure and function (PolyPhen-2) suggests that this variant is likely to be disruptive. In summary, the available evidence is currently insufficient to determine the role of this variant in disease. Therefore, it has been classified as a Variant of Uncertain Significance.

NM_001378778.1(MPDZ):c.890G>A (p.Cys297Tyr)

Gene: MPDZ (multiple PDZ domain crumbs cell polarity complex component; minus strand). Cytogenetic location: 9p23.
Variant type: single nucleotide variant.
Coding change: c.890G>A on transcript NM_001378778.1 (MANE Select); coding-DNA position 890, G replaced by A.
Protein change: p.Cys297Tyr; replaces cysteine 297 with tyrosine.
Molecular consequence: missense variant.
Genome position (GRCh38, 1-based): chr9:13,219,755, C>T on the plus strand (G>A on the coding strand, the complement: MPDZ is on the minus strand). VCF-style: chr9-13219755-C-T. GRCh37 (hg19) VCF-style: chr9-13219754-C-T.
Other names: c.890G>A, p.Cys297Tyr (NM_001261406.2, NM_001261407.2, NM_001330637.2 and 14 more transcripts); short protein forms C297Y.
Identifiers: ClinVar variation 2000214 (VCV002000214.4), dbSNP rs983169087, ClinGen allele CA189321954.
Genomic context (GRCh38, chr9:13,219,755, plus strand): 5'-TGCTCACTGCTCATTCCTGCTAGATCTGTGTCACCAATCTTTAGAATGTGGTCTCCACTG[C>T]ATAAACGCCCATGCTGAGTAAAACAATATTGAATAATTAGACTATTATTATTTTAACTGC-3'
Protein context (NP_001365707.1, residues 287-307): GGVADQHGRL[Cys297Tyr]SGDHILKIGD